The following is an entry in ClinVar:

ClinVar aggregate classification (germline): Pathogenic (1 of 4 stars; one submission).

Conditions:
Primary hyperoxaluria, type II (HP2). Also called: OXALOSIS II; Primary hyperoxaluria type 2; D-GLYCERATE DEHYDROGENASE DEFICIENCY; GLYCERIC ACIDURIA; GLYOXYLATE REDUCTASE/HYDROXYPYRUVATE REDUCTASE DEFICIENCY. Identifiers: Orphanet 416, Orphanet 93599, MedGen C0268165, MONDO:0009824, OMIM 260000. Disease mechanism: loss of function.

Allele frequency attached by ClinVar (database versions not stated): gnomAD exomes 0.00001.
gnomAD v4.1: 15 of 1,599,626 alleles (0.00094%); highest among the groups gnomAD compares: Non-Finnish European, 0.0013%; no homozygotes.

Submission:

Clinical Biochemistry Laboratory, Health Services Laboratory
Classification: Pathogenic for Primary hyperoxaluria, type II. Last evaluated: 2023-10-27. Review status: criteria provided, single submitter. Criteria: ACMG Guidelines, 2015. Collection method: curation. Allele origin: germline. Affected: yes.
Comment: ACMG:PM1 PM2 PM3 PP3

Literature cited by the submitters: PubMed 29068142.

NM_012203.2(GRHPR):c.68T>C (p.Leu23Pro)

Gene: GRHPR (glyoxylate and hydroxypyruvate reductase; plus strand). Cytogenetic location: 9p13.2.
Variant type: single nucleotide variant.
Coding change: c.68T>C on transcript NM_012203.2 (MANE Select); coding-DNA position 68, T replaced by C.
Protein change: p.Leu23Pro; replaces leucine 23 with proline.
Molecular consequence: missense variant.
Genome position (GRCh38, 1-based): chr9:37,422,818, T>C. VCF-style: chr9-37422818-T-C. GRCh37 (hg19) VCF-style: chr9-37422815-T-C.
Other names: short protein forms L23P.
Identifiers: ClinVar variation 2664415 (VCV002664415.1), dbSNP rs2118849212, ClinGen allele CA373441296.